The following is an entry in ClinVar:

NM_006979.3(SLC39A7):c.1370G>C (p.Gly457Ala)

Gene: SLC39A7 (solute carrier family 39 member 7; plus strand). Cytogenetic location: 6p21.32.
Variant type: single nucleotide variant.
Coding change: c.1370G>C on transcript NM_006979.3 (MANE Select); coding-DNA position 1370, G replaced by C.
Protein change: p.Gly457Ala; replaces glycine 457 with alanine.
Molecular consequence: missense variant.
Genome position (GRCh38, 1-based): chr6:33,203,773, G>C. VCF-style: chr6-33203773-G-C. GRCh37 (hg19) VCF-style: chr6-33171550-G-C.
Other names: c.1370G>C (NM_006979.2); c.1370G>C, p.Gly457Ala (NM_001077516.2); c.995G>C, p.Gly332Ala (NM_001288777.2); short protein forms G457A, G332A.
Identifiers: ClinVar variation 1372980 (VCV001372980.8), dbSNP rs372748339, ClinGen allele CA3752463.

ClinVar aggregate classification (germline): Uncertain significance. Review status: criteria provided, multiple submitters, no conflicts (2 of 4 stars). 3 submissions from 3 submitters: Uncertain significance (3). Last evaluated 2025-01-01.

Allele frequency attached by ClinVar (database versions not stated): gnomAD 0.00004; TOPMed 0.00004; ESP Exome Variant Server 0.00008; gnomAD exomes 0.00011.
gnomAD v4.1: 170 of 1,614,102 alleles (0.011%); highest among the groups gnomAD compares: Non-Finnish European, 0.012%; no homozygotes.

Submissions (3):

Ambry Genetics
Classification: Uncertain significance. Last evaluated: 2025-01-01. Review status: criteria provided, single submitter. Criteria: Ambry Variant Classification Scheme 2023. Collection method: clinical testing. Allele origin: germline.

Blueprint Genetics
Classification: Uncertain significance. Last evaluated: 2024-05-31. Review status: criteria provided, single submitter. Criteria: ACMG Guidelines, 2015. Collection method: clinical testing. Allele origin: germline.

Labcorp Genetics (formerly Invitae), Labcorp
Classification: Uncertain significance. Last evaluated: 2022-07-19. Review status: criteria provided, single submitter. Criteria: Invitae Variant Classification Sherloc (09022015). Collection method: clinical testing. Allele origin: germline.
Comment: This sequence change replaces glycine, which is neutral and non-polar, with alanine, which is neutral and non-polar, at codon 457 of the SLC39A7 protein (p.Gly457Ala). This variant is present in population databases (rs372748339, gnomAD 0.01%). This variant has not been reported in the literature in individuals affected with SLC39A7-related conditions. ClinVar contains an entry for this variant (Variation ID: 1372980). Algorithms developed to predict the effect of missense changes on protein structure and function output the following: SIFT: "Tolerated"; PolyPhen-2: "Probably Damaging"; Align-GVGD: "Class C0". The alanine amino acid residue is found in multiple mammalian species, which suggests that this missense change does not adversely affect protein function. In summary, the available evidence is currently insufficient to determine the role of this variant in disease. Therefore, it has been classified as a Variant of Uncertain Significance.